The following is an entry in ClinVar:

NM_173660.5(DOK7):c.469C>G (p.Leu157Val)

Gene: DOK7 (docking protein 7; plus strand). Cytogenetic location: 4p16.3.
Variant type: single nucleotide variant.
Coding change: c.469C>G on transcript NM_173660.5 (MANE Select); coding-DNA position 469, C replaced by G.
Protein change: p.Leu157Val; replaces leucine 157 with valine.
Molecular consequence: missense variant. On other transcripts: intron variant (1).
Genome position (GRCh38, 1-based): chr4:3,476,479, C>G. VCF-style: chr4-3476479-C-G. GRCh37 (hg19) VCF-style: chr4-3478206-C-G.
Other names: c.469C>G, p.Leu157Val (NM_001164673.2, NM_001301071.2); c.101-9060C>G (NM_001363811.2); short protein forms L157V.
Identifiers: ClinVar variation 850158 (VCV000850158.10), dbSNP rs1727097545, ClinGen allele CA356114394.

ClinVar aggregate classification (germline): Uncertain significance (1 of 4 stars; one submission).

Conditions:
Fetal akinesia deformation sequence 1 (FADS1). Also called: Pena-Shokeir syndrome type I; Fetal akinesia sequence. Identifiers: Orphanet 994, MedGen C1276035, MONDO:0100101, OMIM 208150, HP:0001989.
Congenital myasthenic syndrome 10. Also called: Myasthenia, limb-girdle, familial. Identifiers: Orphanet 590, MedGen C1850792, MONDO:0009690, OMIM 254300.

Allele frequency attached by ClinVar (database versions not stated): gnomAD exomes below 0.00001.
gnomAD v4.1: 1 of 1,613,906 alleles (0.000062%); highest among the groups gnomAD compares: East Asian, 0.0022%; no homozygotes.

Submission:

Labcorp Genetics (formerly Invitae), Labcorp
Classification: Uncertain significance for Congenital myasthenic syndrome 10; Fetal akinesia deformation sequence 1. Last evaluated: 2022-07-05. Review status: criteria provided, single submitter. Criteria: Invitae Variant Classification Sherloc (09022015). Collection method: clinical testing. Allele origin: germline.
Comment: In summary, the available evidence is currently insufficient to determine the role of this variant in disease. Therefore, it has been classified as a Variant of Uncertain Significance. Algorithms developed to predict the effect of missense changes on protein structure and function are either unavailable or do not agree on the potential impact of this missense change (SIFT: "Deleterious"; PolyPhen-2: "Probably Damaging"; Align-GVGD: "Class C0"). ClinVar contains an entry for this variant (Variation ID: 850158). This variant has not been reported in the literature in individuals affected with DOK7-related conditions. This variant is not present in population databases (gnomAD no frequency). This sequence change replaces leucine, which is neutral and non-polar, with valine, which is neutral and non-polar, at codon 157 of the DOK7 protein (p.Leu157Val).